The following is an entry in ClinVar:

NM_181486.4(TBX5):c.1010C>A (p.Pro337His)

Gene: TBX5 (T-box transcription factor 5; minus strand). Cytogenetic location: 12q24.21.
Variant type: single nucleotide variant.
Coding change: c.1010C>A on transcript NM_181486.4 (MANE Select); coding-DNA position 1010, C replaced by A.
Protein change: p.Pro337His; replaces proline 337 with histidine.
Molecular consequence: missense variant.
Genome position (GRCh38, 1-based): chr12:114,356,079, G>T on the plus strand (C>A on the coding strand, the complement: TBX5 is on the minus strand). VCF-style: chr12-114356079-G-T. GRCh37 (hg19) VCF-style: chr12-114793884-G-T.
Other names: c.1010C>A, p.Pro337His (NM_000192.3); c.860C>A, p.Pro287His (NM_080717.4); short protein forms P287H, P337H.
Identifiers: ClinVar variation 2893613 (VCV002893613.4), dbSNP rs944423586, ClinGen allele CA244263356.

ClinVar aggregate classification (germline): Uncertain significance. Review status: criteria provided, multiple submitters, no conflicts (2 of 4 stars). 2 submissions from 2 submitters: Uncertain significance (2). Last evaluated 2025-08-05.

Conditions:
Aortic valve disease 2 (AOVD2). Identifiers: MedGen C3542024, MONDO:0013902, OMIM 614823.
Cardiovascular phenotype. Identifiers: MedGen CN230736.

Allele frequency attached by ClinVar (database versions not stated): gnomAD exomes 0.00002.
gnomAD v4.1: 25 of 1,613,052 alleles (0.0015%); highest among the groups gnomAD compares: East Asian, 0.0022%; no homozygotes.

Submissions (2):

Labcorp Genetics (formerly Invitae), Labcorp
Classification: Uncertain significance for Aortic valve disease 2. Last evaluated: 2025-08-05. Review status: criteria provided, single submitter. Criteria: Invitae Variant Classification Sherloc (09022015). Collection method: clinical testing. Allele origin: germline.
Comment: This sequence change replaces proline, which is neutral and non-polar, with histidine, which is basic and polar, at codon 337 of the TBX5 protein (p.Pro337His). This variant is not present in population databases (gnomAD no frequency). This variant has not been reported in the literature in individuals affected with TBX5-related conditions. ClinVar contains an entry for this variant (Variation ID: 2893613). Invitae Evidence Modeling of protein sequence and biophysical properties (such as structural, functional, and spatial information, amino acid conservation, physicochemical variation, residue mobility, and thermodynamic stability) indicates that this missense variant is not expected to disrupt TBX5 protein function with a negative predictive value of 80%. In summary, the available evidence is currently insufficient to determine the role of this variant in disease. Therefore, it has been classified as a Variant of Uncertain Significance.

Ambry Genetics
Classification: Uncertain significance for Cardiovascular phenotype. Last evaluated: 2025-05-03. Review status: criteria provided, single submitter. Criteria: Ambry Variant Classification Scheme 2023. Collection method: clinical testing. Allele origin: germline.
Comment: The p.P337H variant (also known as c.1010C>A), located in coding exon 8 of the TBX5 gene, results from a C to A substitution at nucleotide position 1010. The proline at codon 337 is replaced by histidine, an amino acid with similar properties. This amino acid position is well conserved in available vertebrate species. In addition, this alteration is predicted to be tolerated by in silico analysis. Based on the available evidence, the clinical significance of this variant remains unclear.